The following is an entry in ClinVar:

NM_001365999.1(SZT2):c.254C>G (p.Thr85Ser)

Gene: SZT2 (SZT2 subunit of KICSTOR complex; plus strand). Cytogenetic location: 1p34.2.
Variant type: single nucleotide variant.
Coding change: c.254C>G on transcript NM_001365999.1 (MANE Select); coding-DNA position 254, C replaced by G.
Protein change: p.Thr85Ser; replaces threonine 85 with serine.
Molecular consequence: missense variant.
Genome position (GRCh38, 1-based): chr1:43,403,701, C>G. VCF-style: chr1-43403701-C-G. GRCh37 (hg19) VCF-style: chr1-43869372-C-G.
Other names: c.254C>G, p.Thr85Ser (NM_015284.4); short protein forms T85S.
Identifiers: ClinVar variation 2860639 (VCV002860639.3), dbSNP rs2545766742, ClinGen allele CA339996176.

ClinVar aggregate classification (germline): Uncertain significance (1 of 4 stars; one submission).

Submission:

Labcorp Genetics (formerly Invitae), Labcorp
Classification: Uncertain significance. Last evaluated: 2026-01-05. Review status: criteria provided, single submitter. Criteria: Invitae Variant Classification Sherloc (09022015). Collection method: clinical testing. Allele origin: germline.
Comment: This sequence change replaces threonine, which is neutral and polar, with serine, which is neutral and polar, at codon 85 of the SZT2 protein (p.Thr85Ser). This variant is not present in population databases (gnomAD no frequency). This variant has not been reported in the literature in individuals affected with SZT2-related conditions. ClinVar contains an entry for this variant (Variation ID: 2860639). Invitae Evidence Modeling of protein sequence and biophysical properties (such as structural, functional, and spatial information, amino acid conservation, physicochemical variation, residue mobility, and thermodynamic stability) indicates that this missense variant is not expected to disrupt SZT2 protein function with a negative predictive value of 80%. In summary, the available evidence is currently insufficient to determine the role of this variant in disease. Therefore, it has been classified as a Variant of Uncertain Significance.